The following is an entry in ClinVar:

NM_152228.3(TAS1R3):c.2407C>T (p.Leu803=)

Gene: TAS1R3 (taste 1 receptor member 3; plus strand). Cytogenetic location: 1p36.33.
Variant type: single nucleotide variant.
Coding change: c.2407C>T on transcript NM_152228.3 (MANE Select); coding-DNA position 2407, C replaced by T.
Protein change: p.Leu803=; no amino-acid change (leucine 803 retained).
Molecular consequence: synonymous variant.
Genome position (GRCh38, 1-based): chr1:1,334,312, C>T. VCF-style: chr1-1334312-C-T. GRCh37 (hg19) VCF-style: chr1-1269692-C-T.
Identifiers: ClinVar variation 2672318 (VCV002672318.23), dbSNP rs145408540, ClinGen allele CA519642.

ClinVar aggregate classification (germline): Likely benign (1 of 4 stars; one submission).

Allele frequency attached by ClinVar (database versions not stated): 1000 Genomes Project 30x 0.00016; 1000 Genomes Project 0.00020; TOPMed 0.00070; gnomAD 0.00071; ExAC 0.00100; ESP Exome Variant Server 0.00100; gnomAD exomes 0.00115.
gnomAD v4.1: 1,779 of 1,611,826 alleles (0.11%); highest among the groups gnomAD compares: Middle Eastern, 0.21%; 3 homozygotes.

Submission:

CeGaT Center for Human Genetics Tuebingen
Classification: Likely benign. Last evaluated: 2023-11-01. Review status: criteria provided, single submitter. Criteria: CeGaT Center For Human Genetics Tuebingen Variant Classification Criteria Version 2. Collection method: clinical testing. Allele origin: germline. Affected: yes. Observed: 1 variant allele.
Comment: TAS1R3: BP4, BP7